The following is an entry in ClinVar:

NM_002635.4(SLC25A3):c.814+5G>T

Gene: SLC25A3 (solute carrier family 25 member 3; plus strand). Cytogenetic location: 12q23.1.
Variant type: single nucleotide variant.
Coding change: c.814+5G>T on transcript NM_002635.4 (MANE Select); 5 bases into the intron after coding-DNA position 814, G replaced by T.
Molecular consequence: intron variant.
Genome position (GRCh38, 1-based): chr12:98,600,132, G>T. VCF-style: chr12-98600132-G-T. GRCh37 (hg19) VCF-style: chr12-98993910-G-T.
Other names: c.814+5G>T (NM_213611.3); c.817+5G>T (NM_005888.4).
Identifiers: ClinVar variation 310801 (VCV000310801.6), dbSNP rs200029342, ClinGen allele CA6733113.

ClinVar aggregate classification (germline): Uncertain significance. Review status: criteria provided, multiple submitters, no conflicts (2 of 4 stars). 2 submissions from 2 submitters: Uncertain significance (2). Last evaluated 2021-12-27.

Conditions:
Cardiomyopathy-hypotonia-lactic acidosis syndrome (MPCD). Identifiers: Orphanet 91130, MedGen C1835845, MONDO:0012557, OMIM 610773.

Allele frequency attached by ClinVar (database versions not stated): TOPMed 0.00022; 1000 Genomes Project 30x 0.00031; 1000 Genomes Project 0.00040.
gnomAD v4.1: 34 of 1,519,946 alleles (0.0022%); highest among the groups gnomAD compares: East Asian, 0.068%; no homozygotes.

Submissions (2):

Labcorp Genetics (formerly Invitae), Labcorp
Classification: Uncertain significance. Last evaluated: 2021-12-27. Review status: criteria provided, single submitter. Criteria: Invitae Variant Classification Sherloc (09022015). Collection method: clinical testing. Allele origin: germline.
Comment: This sequence change falls in intron 6 of the SLC25A3 gene. It does not directly change the encoded amino acid sequence of the SLC25A3 protein. It affects a nucleotide within the consensus splice site. This variant is present in population databases (rs200029342, gnomAD 0.1%). This variant has not been reported in the literature in individuals affected with SLC25A3-related conditions. ClinVar contains an entry for this variant (Variation ID: 310801). Variants that disrupt the consensus splice site are a relatively common cause of aberrant splicing (PMID: 17576681, 9536098). Algorithms developed to predict the effect of sequence changes on RNA splicing suggest that this variant may disrupt the consensus splice site. In summary, the available evidence is currently insufficient to determine the role of this variant in disease. Therefore, it has been classified as a Variant of Uncertain Significance.

Illumina Laboratory Services, Illumina
Classification: Uncertain significance for Cardiomyopathy-hypotonia-lactic acidosis syndrome. Last evaluated: 2018-01-12. Review status: criteria provided, single submitter. Criteria: ICSL Variant Classification Criteria 13 December 2019. Collection method: clinical testing. Allele origin: germline.

Literature cited by the submitters: PubMed 17576681 (cited by Labcorp Genetics (formerly Invitae), Labcorp); PubMed 9536098 (cited by Labcorp Genetics (formerly Invitae), Labcorp).